The following is an entry in ClinVar:

ClinVar aggregate classification (germline): Pathogenic (1 of 4 stars; one submission).

Conditions:
Tietz syndrome (TADS). Also called: ALBINISM-DEAFNESS OF TIETZ; TIETZ ALBINISM-DEAFNESS SYNDROME; HYPOPIGMENTATION/DEAFNESS OF TIETZ. Identifiers: Orphanet 42665, MedGen C0391816, MONDO:0007077, OMIM 103500.
Melanoma, cutaneous malignant, susceptibility to, 8. Also called: MELANOMA AND RENAL CELL CARCINOMA, SUSCEPTIBILITY TO; Cutaneous malignant melanoma 8. Identifiers: Orphanet 293822, MedGen C3152204, MONDO:0013759, OMIM 614456.
Waardenburg syndrome type 2A (WS2A). Also called: WAARDENBURG SYNDROME WITHOUT DYSTOPIA CANTHORUM. Identifiers: Orphanet 3440, MedGen C1860339, MONDO:0008671, OMIM 193510.

Submission:

Labcorp Genetics (formerly Invitae), Labcorp
Classification: Pathogenic for Melanoma, cutaneous malignant, susceptibility to, 8; Waardenburg syndrome type 2A; Tietz syndrome. Last evaluated: 2026-01-15. Review status: criteria provided, single submitter. Criteria: Invitae Variant Classification Sherloc (09022015). Collection method: clinical testing. Allele origin: germline.
Comment: This sequence change affects an acceptor splice site in intron 6 of the MITF gene. It is expected to disrupt RNA splicing. Variants that disrupt the donor or acceptor splice site typically lead to a loss of protein function (PMID: 16199547), and loss-of-function variants in MITF are known to be pathogenic (PMID: 8659547, 20127975). This variant is not present in population databases (gnomAD no frequency). Disruption of this splice site has been observed in individual(s) with MITF-related conditions (PMID: 32005694, 34599368). In at least one individual the variant was observed to be de novo. ClinVar contains an entry for this variant (Variation ID: 849660). Algorithms developed to predict the effect of sequence changes on RNA splicing suggest that this variant may disrupt the consensus splice site. For these reasons, this variant has been classified as Pathogenic.

Literature cited by the submitters: PubMed 16199547; PubMed 8659547; PubMed 20127975; PubMed 32005694; PubMed 34599368.

NM_001354604.2(MITF):c.956-2A>G

Gene: MITF (melanocyte inducing transcription factor; plus strand). Cytogenetic location: 3p13.
Variant type: single nucleotide variant.
Coding change: c.956-2A>G on transcript NM_001354604.2 (MANE Select); the canonical splice acceptor site of the intron before coding-DNA position 956, A replaced by G.
Molecular consequence: splice acceptor variant.
Genome position (GRCh38, 1-based): chr3:69,956,453, A>G. VCF-style: chr3-69956453-A-G. GRCh37 (hg19) VCF-style: chr3-70005604-A-G.
Other names: c.887-2A>G (NM_001354607.2); c.782-2A>G (NM_001354608.2, NM_001184967.2); c.938-2A>G (NM_198159.3); c.953-2A>G (NM_001354605.2); c.935-2A>G (NM_001354606.2, NM_006722.3); c.890-2A>G (NM_198177.3); c.635-2A>G (NM_000248.4); c.617-2A>G (NM_198158.3); and 1 more.
Identifiers: ClinVar variation 849660 (VCV000849660.8), dbSNP rs2066399731, ClinGen allele CA353561684.
Genomic context (GRCh38, chr3:69,956,453, plus strand): 5'-GATGTGCTAAATGCATACATGGCACTGTTACTAATAGCCTTTCCTGTGCTCTTTTCTTGA[A>G]GTTGAACGAAGAAGAAGATTTAACATAAATGACCGCATTAAAGAACTAGGTACTTTGATT-3'